The following is an entry in ClinVar:

ClinVar aggregate classification (germline): Conflicting classifications of pathogenicity. Review status: criteria provided, conflicting classifications (1 of 4 stars). 5 submissions from 5 submitters: Uncertain significance (3); Likely benign (1). 1 of the submissions does not count toward it. Last evaluated 2025-02-19.

Conditions:
Hereditary cancer-predisposing syndrome. Also called: Neoplastic Syndromes, Hereditary; Tumor predisposition; Hereditary Cancer Syndrome; Hereditary neoplastic syndrome. Identifiers: Orphanet 140162, MedGen C0027672, MeSH D009386, MONDO:0015356.
Breast-ovarian cancer, familial, susceptibility to, 1 (BROVCA1). Also called: OVARIAN CANCER, SUSCEPTIBILITY TO; BRCA1 Hereditary Breast and Ovarian Cancer. Identifiers: Orphanet 145, MedGen C2676676, MONDO:0011450, OMIM 604370. Disease mechanism: loss of function.
Hereditary breast ovarian cancer syndrome. Also called: Breast and ovarian cancer; Hereditary breast and/or ovarian cancer syndrome; Hereditary breast and ovarian cancer syndrome; BRCA1- and BRCA2-Associated Hereditary Breast and Ovarian Cancer; Hereditary breast and ovarian cancer; Hereditary breast and ovarian cancer syndrome (HBOC). Identifiers: Orphanet 145, MedGen C0677776, MeSH D061325, MONDO:0003582. Disease mechanism: loss of function.

Allele frequency attached by ClinVar (database versions not stated): ExAC 0.00002; gnomAD exomes 0.00001.
gnomAD v4.1: 4 of 1,614,092 alleles (0.00025%); highest among the groups gnomAD compares: Non-Finnish European, 0.00034%; no homozygotes.

Submissions (5):

Labcorp Genetics (formerly Invitae), Labcorp
Classification: Uncertain significance for Hereditary breast ovarian cancer syndrome. Last evaluated: 2025-02-19. Review status: criteria provided, single submitter. Criteria: Invitae Variant Classification Sherloc (09022015). Collection method: clinical testing. Allele origin: germline.
Comment: This sequence change replaces lysine, which is basic and polar, with arginine, which is basic and polar, at codon 450 of the BRCA1 protein (p.Lys450Arg). This variant is present in population databases (rs778668550, gnomAD 0.003%). This variant has not been reported in the literature in individuals affected with BRCA1-related conditions. ClinVar contains an entry for this variant (Variation ID: 1471719). Invitae Evidence Modeling of protein sequence and biophysical properties (such as structural, functional, and spatial information, amino acid conservation, physicochemical variation, residue mobility, and thermodynamic stability) indicates that this missense variant is not expected to disrupt BRCA1 protein function with a negative predictive value of 80%. Experimental studies are conflicting or provide insufficient evidence to determine the effect of this variant on BRCA1 function (PMID: 29440709). In summary, the available evidence is currently insufficient to determine the role of this variant in disease. Therefore, it has been classified as a Variant of Uncertain Significance.

Color Diagnostics, LLC DBA Color Health
Classification: Uncertain significance for Hereditary cancer-predisposing syndrome. Last evaluated: 2023-11-01. Review status: criteria provided, single submitter. Criteria: ACMG Guidelines, 2015. Collection method: clinical testing. Allele origin: germline.
Comment: This missense variant replaces lysine with arginine at codon 450 of the BRCA1 protein. Computational prediction is inconclusive regarding the impact of this variant on protein structure and function. To our knowledge, functional studies have not been reported for this variant. This variant has been reported in a breast cancer case-control meta-analysis in 2/53461 unaffected individuals and absent in 60466 cases (PMID: 33471991; Leiden Open Variation Database DB-ID BRCA1_006515). This variant has been identified in 3/250940 chromosomes in the general population by the Genome Aggregation Database (gnomAD). The available evidence is insufficient to determine the role of this variant in disease conclusively. Therefore, this variant is classified as a Variant of Uncertain Significance.

University of Washington Department of Laboratory Medicine, University of Washington
Classification: Likely benign for Hereditary cancer-predisposing syndrome. Last evaluated: 2023-03-23. Review status: criteria provided, single submitter. Criteria: Dines et al. (Genet Med. 2020). Collection method: curation. Allele origin: germline.
Comment: Missense variant in a coldspot region where missense variants are very unlikely to be pathogenic (PMID:31911673).

BRCA1 coldspot (exon 11 using historical exon numbering). Reclassification based on statistical prior probability

Mayo Clinic Laboratories, Mayo Clinic
Classification: Uncertain significance. Last evaluated: 2022-03-15. Review status: criteria provided, single submitter. Criteria: ACMG Guidelines, 2015. Collection method: clinical testing. Allele origin: germline. Observed: 1 variant allele.
Comment: PM2

BRCAlab, Lund University
Classification: Uncertain significance for Breast-ovarian cancer, familial, susceptibility to, 1. Last evaluated: 2020-03-02. Review status: no assertion criteria provided. Collection method: clinical testing. Allele origin: germline. Affected: yes. Not counted in ClinVar's aggregate classification.

Literature cited by the submitters: PubMed 29440709 (cited by Labcorp Genetics (formerly Invitae), Labcorp); PubMed 33471991 (cited by Color Diagnostics, LLC DBA Color Health).

NM_007294.4(BRCA1):c.1349A>G (p.Lys450Arg)

Gene: BRCA1 (BRCA1 DNA repair associated; minus strand). Cytogenetic location: 17q21.31.
Variant type: single nucleotide variant.
Coding change: c.1349A>G on transcript NM_007294.4 (MANE Select); coding-DNA position 1349, A replaced by G.
Protein change: p.Lys450Arg; replaces lysine 450 with arginine.
Molecular consequence: missense variant. On other transcripts: intron variant (137).
Genome position (GRCh38, 1-based): chr17:43,094,182, T>C on the plus strand (A>G on the coding strand, the complement: BRCA1 is on the minus strand). VCF-style: chr17-43094182-T-C. GRCh37 (hg19) VCF-style: chr17-41246199-T-C.
Other names: p.Lys450Arg; c.1208A>G, p.Lys403Arg (NM_001407726.1, NM_001407727.1, NM_001407738.1 and 29 more transcripts); c.1082A>G, p.Lys361Arg (NM_001407934.1, NM_001407936.1, NM_001407930.1 and 2 more transcripts); c.1085A>G, p.Lys362Arg (NM_001407935.1, NM_001407933.1, NM_001407920.1 and 9 more transcripts); c.1226A>G, p.Lys409Arg (NM_001407937.1, NM_001407938.1, NM_001407919.1 and 19 more transcripts); c.1205A>G, p.Lys402Arg (NM_001407740.1, NM_001407741.1, NM_001407742.1 and 20 more transcripts); c.1016A>G, p.Lys339Arg (NM_001407949.1, NM_001407950.1, NM_001407951.1 and 6 more transcripts); c.1013A>G, p.Lys338Arg (NM_001407954.1, NM_001407955.1, NM_001407956.1 and 1 more transcripts); and 41 more; short protein forms K450R, K403R, K322R, K362R, K382R, K408R, K409R, K423R.
Identifiers: ClinVar variation 1471719 (VCV001471719.12), dbSNP rs778668550, ClinGen allele CA057171.
Genomic context (GRCh38, chr17:43,094,182, plus strand): 5'-CTTGCCTTCTTCCGATAGGTTTTCCCAAATATTTTGTCTTCAATATTACTCTCTACTGAT[T>C]TGGAGTGAACTCTTTCACTTTTACATATTAAAGCCTCATGAGGATCACTGGCCAGTAAGT-3'
Protein context (NP_009225.1, residues 440-460): LICKSERVHS[Lys450Arg]SVESNIEDKI